The following is an entry in ClinVar:

ClinVar aggregate classification (germline): Uncertain significance (1 of 4 stars; one submission).

Conditions:
Immunodeficiency 35 (IMD35). Also called: HIES WITH ATYPICAL MYCOBACTERIOSIS, AUTOSOMAL RECESSIVE; HYPER-IgE SYNDROME WITH ATYPICAL MYCOBACTERIOSIS, AUTOSOMAL RECESSIVE; TYK2 DEFICIENCY; Susceptibility to infection due to TYK2 deficiency. Identifiers: Orphanet 331226, MedGen C1969086, MONDO:0012682, OMIM 611521.

Allele frequency attached by ClinVar (database versions not stated): gnomAD 0.00001; TOPMed 0.00001.
gnomAD v4.1: 21 of 1,613,902 alleles (0.0013%); highest among the groups gnomAD compares: Middle Eastern, 0.016%; no homozygotes.

Submission:

Labcorp Genetics (formerly Invitae), Labcorp
Classification: Uncertain significance for Immunodeficiency 35. Last evaluated: 2021-08-19. Review status: criteria provided, single submitter. Criteria: Invitae Variant Classification Sherloc (09022015). Collection method: clinical testing. Allele origin: germline.
Comment: Algorithms developed to predict the effect of missense changes on protein structure and function output the following: SIFT: "Not Available"; PolyPhen-2: "Benign"; Align-GVGD: "Not Available". The methionine amino acid residue is found in multiple mammalian species, suggesting that this missense change does not adversely affect protein function. These predictions have not been confirmed by published functional studies and their clinical significance is uncertain. In summary, the available evidence is currently insufficient to determine the role of this variant in disease. Therefore, it has been classified as a Variant of Uncertain Significance. This variant has not been reported in the literature in individuals with TYK2-related conditions. This variant is not present in population databases (ExAC no frequency). This sequence change replaces valine with methionine at codon 628 of the TYK2 protein (p.Val628Met). The valine residue is weakly conserved and there is a small physicochemical difference between valine and methionine.

NM_003331.5(TYK2):c.1882G>A (p.Val628Met)

Gene: TYK2 (tyrosine kinase 2; minus strand). Cytogenetic location: 19p13.2.
Variant type: single nucleotide variant.
Coding change: c.1882G>A on transcript NM_003331.5 (MANE Select); coding-DNA position 1882, G replaced by A.
Protein change: p.Val628Met; replaces valine 628 with methionine.
Molecular consequence: missense variant. On other transcripts: intron variant (2).
Genome position (GRCh38, 1-based): chr19:10,361,847, C>T on the plus strand (G>A on the coding strand, the complement: TYK2 is on the minus strand). VCF-style: chr19-10361847-C-T. GRCh37 (hg19) VCF-style: chr19-10472523-C-T.
Other names: c.1882G>A, p.Val628Met (NM_001385197.1, NM_001385198.1, NM_001385200.1 and 2 more transcripts); c.1684G>A, p.Val562Met (NM_001385201.1); c.1792G>A, p.Val598Met (NM_001385205.1); c.1756G>A, p.Val586Met (NM_001385206.1); c.1864G>A, p.Val622Met (NM_001385207.1); c.1773+231G>A (NM_001385199.1); c.1809-11G>A (NM_001385202.1); short protein forms V562M, V586M, V598M, V622M, V628M.
Identifiers: ClinVar variation 1025830 (VCV001025830.7), dbSNP rs972695864, ClinGen allele CA305204115.
Genomic context (GRCh38, chr19:10,361,847, plus strand): 5'-GACTAGGGTCCAGCACTTTGAGCACCACTCGTAGCTCCTGCCCACGGTCCCTGCCAGGCA[C>T]GAGGGGGTCCTCGTCATCCATCTTGCCCTCCTCAGGGTCCCCGCTGCCCTCCACTCGCAG-3'
Protein context (NP_003322.3, residues 618-638): EGKMDDEDPL[Val628Met]PGRDRGQELR